The following is an entry in ClinVar:

ClinVar aggregate classification (germline): Uncertain significance. Review status: criteria provided, multiple submitters, no conflicts (2 of 4 stars). 2 submissions from 2 submitters: Uncertain significance (2). Last evaluated 2025-10-23.

Conditions:
Pontocerebellar hypoplasia type 1A (PCH1A). Also called: PONTOCEREBELLAR HYPOPLASIA WITH ANTERIOR HORN CELL DISEASE; PONTOCEREBELLAR HYPOPLASIA WITH INFANTILE SPINAL MUSCULAR ATROPHY. Identifiers: Orphanet 2254, Orphanet 88616, MedGen C1843504, MONDO:0011866, OMIM 607596.

Allele frequency attached by ClinVar (database versions not stated): gnomAD exomes 0.00001; TOPMed 0.00001; gnomAD 0.00001.
gnomAD v4.1: 38 of 1,613,762 alleles (0.0024%); highest among the groups gnomAD compares: Non-Finnish European, 0.0031%; no homozygotes.

Submissions (2):

Myriad Genetics, Inc.
Classification: Uncertain significance for Pontocerebellar hypoplasia type 1A. Last evaluated: 2025-10-23. Review status: criteria provided, single submitter. Criteria: Myriad Autosomal Dominant, Autosomal Recessive and X-Linked Classification Criteria (2023). Collection method: clinical testing. Allele origin: unknown.
Comment: NM_003384.2(VRK1):c.863A>G(K288R) is a missense variant classified as a variant of uncertain significance in the context of pontocerebellar hypoplasia, VRK1-related. K288R has not been observed in cases with relevant disease. Relevant functional assessments of this variant are not available in the literature. K288R has been observed in referenced population frequency databases. In summary, there is insufficient evidence to classify NM_003384.2(VRK1):c.863A>G(K288R) as pathogenic or benign. Please note: this variant was assessed in the context of healthy population screening.

Labcorp Genetics (formerly Invitae), Labcorp
Classification: Uncertain significance for Pontocerebellar hypoplasia type 1A. Last evaluated: 2021-08-20. Review status: criteria provided, single submitter. Criteria: Invitae Variant Classification Sherloc (09022015). Collection method: clinical testing. Allele origin: germline.
Comment: This sequence change replaces lysine with arginine at codon 288 of the VRK1 protein (p.Lys288Arg). The lysine residue is moderately conserved and there is a small physicochemical difference between lysine and arginine. This variant is not present in population databases (ExAC no frequency). This variant has not been reported in the literature in individuals affected with VRK1-related conditions. Algorithms developed to predict the effect of missense changes on protein structure and function output the following: SIFT: "Tolerated"; PolyPhen-2: "Benign"; Align-GVGD: "Class C0". The arginine amino acid residue is found in multiple mammalian species, which suggests that this missense change does not adversely affect protein function. Algorithms developed to predict the effect of sequence changes on RNA splicing suggest that this variant may create or strengthen a splice site. In summary, the available evidence is currently insufficient to determine the role of this variant in disease. Therefore, it has been classified as a Variant of Uncertain Significance.

NM_003384.3(VRK1):c.863A>G (p.Lys288Arg)

Gene: VRK1 (VRK serine/threonine kinase 1; plus strand). Cytogenetic location: 14q32.2.
Variant type: single nucleotide variant.
Coding change: c.863A>G on transcript NM_003384.3 (MANE Select); coding-DNA position 863, A replaced by G.
Protein change: p.Lys288Arg; replaces lysine 288 with arginine.
Molecular consequence: missense variant.
Genome position (GRCh38, 1-based): chr14:96,856,560, A>G. VCF-style: chr14-96856560-A-G. GRCh37 (hg19) VCF-style: chr14-97322897-A-G.
Other names: short protein forms K288R.
Identifiers: ClinVar variation 575362 (VCV000575362.8), dbSNP rs1310616396, ClinGen allele CA390931724.